The following is an entry in ClinVar:

NM_000127.3(EXT1):c.1057-2A>G

Gene: EXT1 (exostosin glycosyltransferase 1; minus strand). Cytogenetic location: 8q24.11.
Variant type: single nucleotide variant.
Coding change: c.1057-2A>G on transcript NM_000127.3 (MANE Select); the canonical splice acceptor site of the intron before coding-DNA position 1057, A replaced by G.
Molecular consequence: splice acceptor variant.
Genome position (GRCh38, 1-based): chr8:117,835,553, T>C on the plus strand (A>G on the coding strand, the complement: EXT1 is on the minus strand). VCF-style: chr8-117835553-T-C. GRCh37 (hg19) VCF-style: chr8-118847792-T-C.
Identifiers: ClinVar variation 640558 (VCV000640558.11), dbSNP rs1587003662, ClinGen allele CA371892853.

ClinVar aggregate classification (germline): Pathogenic (1 of 4 stars; one submission).

Conditions:
Multiple congenital exostosis (EXT). Also called: MULTIPLE CARTILAGINOUS EXOSTOSES; Multiple osteochondromas; Multiple exostoses; Hereditary multiple exostoses; Hereditary multiple exostosis; Hereditary multiple osteochondromas. Identifiers: Orphanet 321, MedGen C0015306, MONDO:0005508, HP:0002762.

Submission:

Labcorp Genetics (formerly Invitae), Labcorp
Classification: Pathogenic for Multiple congenital exostosis. Last evaluated: 2019-07-21. Review status: criteria provided, single submitter. Criteria: Invitae Variant Classification Sherloc (09022015). Collection method: clinical testing. Allele origin: germline.
Comment: For these reasons, this variant has been classified as Pathogenic. Donor and acceptor splice site variants typically lead to a loss of protein function (PMID: 16199547), and loss-of-function variants in EXT1 are known to be pathogenic (PMID: 10679937, 11391482, 19810120). This variant has been observed in individuals affected with multiple osteochondromas (PMID: 9521425, 21499719). This variant is also known as IVS2-2A>G in the literature. This variant is not present in population databases (ExAC no frequency). This sequence change affects an acceptor splice site in intron 2 of the EXT1 gene. It is expected to disrupt RNA splicing and likely results in an absent or disrupted protein product.

Literature cited by the submitters: PubMed 16199547; PubMed 10679937; PubMed 11391482; PubMed 19810120; PubMed 9521425; PubMed 21499719.